The following is an entry in ClinVar:

NM_006514.4(SCN10A):c.5621C>T (p.Ser1874Phe)

Gene: SCN10A (sodium voltage-gated channel alpha subunit 10; minus strand). Cytogenetic location: 3p22.2.
Variant type: single nucleotide variant.
Coding change: c.5621C>T on transcript NM_006514.4 (MANE Select); coding-DNA position 5621, C replaced by T.
Protein change: p.Ser1874Phe; replaces serine 1874 with phenylalanine.
Molecular consequence: missense variant.
Genome position (GRCh38, 1-based): chr3:38,697,599, G>A on the plus strand (C>T on the coding strand, the complement: SCN10A is on the minus strand). VCF-style: chr3-38697599-G-A. GRCh37 (hg19) VCF-style: chr3-38739090-G-A.
Other names: c.5618C>T, p.Ser1873Phe (NM_001293306.2); c.5327C>T, p.Ser1776Phe (NM_001293307.2); short protein forms S1776F, S1873F, S1874F.
Identifiers: ClinVar variation 3225686 (VCV003225686.1), dbSNP rs767110682, ClinGen allele CA2319634.

ClinVar aggregate classification (germline): Uncertain significance (1 of 4 stars; one submission).

Conditions:
Cardiovascular phenotype. Identifiers: MedGen CN230736.

Allele frequency attached by ClinVar (database versions not stated): ExAC 0.00001.
gnomAD v4.1: 3 of 1,614,210 alleles (0.00019%); highest among the groups gnomAD compares: African/African-American, 0.0027%; no homozygotes.

Submission:

Ambry Genetics
Classification: Uncertain significance for Cardiovascular phenotype. Last evaluated: 2024-03-02. Review status: criteria provided, single submitter. Criteria: Ambry Variant Classification Scheme 2023. Collection method: clinical testing. Allele origin: germline.
Comment: The p.S1874F variant (also known as c.5621C>T), located in coding exon 27 of the SCN10A gene, results from a C to T substitution at nucleotide position 5621. The serine at codon 1874 is replaced by phenylalanine, an amino acid with highly dissimilar properties. This amino acid position is conserved. In addition, the in silico prediction for this alteration is inconclusive. Based on the available evidence, the clinical significance of this alteration remains unclear.